The following is an entry in ClinVar:

ClinVar aggregate classification (germline): Uncertain significance (0 of 4 stars; one submission).

Conditions:
Radioulnar synostosis. Also called: Congenital radioulnar synostosis. Identifiers: Orphanet 3269, MedGen C0158761, MONDO:0017985, HP:0002974.

Submission:

The Laboratory of Genetics and Metabolism, Hunan Children’s Hospital
Classification: Uncertain significance for radioulnar synostosis. Last evaluated: 2019-05-14. Review status: no assertion criteria provided. Collection method: case-control. Allele origin: unknown. Affected: yes.
Comment: PM1, PM2, PP3

NM_005585.5(SMAD6):c.649G>C (p.Gly217Arg)

Gene: SMAD6 (SMAD family member 6; plus strand). Cytogenetic location: 15q22.31.
Variant type: single nucleotide variant.
Coding change: c.649G>C on transcript NM_005585.5 (MANE Select); coding-DNA position 649, G replaced by C.
Protein change: p.Gly217Arg; replaces glycine 217 with arginine.
Molecular consequence: missense variant. On other transcripts: non-coding transcript variant (1).
Genome position (GRCh38, 1-based): chr15:66,703,907, G>C. VCF-style: chr15-66703907-G-C. GRCh37 (hg19) VCF-style: chr15-66996245-G-C.
Other names: short protein forms G217R.
Identifiers: ClinVar variation 690407 (VCV000690407.2), dbSNP rs1222990058, ClinGen allele CA392949966.